The following is an entry in ClinVar:

NM_198576.4(AGRN):c.494C>T (p.Pro165Leu)

Gene: AGRN (agrin; plus strand). Cytogenetic location: 1p36.33.
Variant type: single nucleotide variant.
Coding change: c.494C>T on transcript NM_198576.4 (MANE Select); coding-DNA position 494, C replaced by T.
Protein change: p.Pro165Leu; replaces proline 165 with leucine.
Molecular consequence: missense variant.
Genome position (GRCh38, 1-based): chr1:1,035,307, C>T. VCF-style: chr1-1035307-C-T. GRCh37 (hg19) VCF-style: chr1-970687-C-T.
Other names: p.Pro165Leu; c.494C>T, p.Pro165Leu (NM_001305275.2); c.179C>T, p.Pro60Leu (NM_001364727.2); short protein forms P165L, P60L.
Identifiers: ClinVar variation 474141 (VCV000474141.17), dbSNP rs140954236, ClinGen allele CA507857.

ClinVar aggregate classification (germline): Likely benign. Review status: criteria provided, multiple submitters, no conflicts (2 of 4 stars). 5 submissions from 5 submitters: Likely benign (5). Last evaluated 2025-12-30.

Conditions:
Congenital myasthenic syndrome 8. Also called: Myasthenic syndrome, congenital, 8, with pre- and postsynaptic defects; MYASTHENIC SYNDROME, CONGENITAL, DUE TO AGRIN DEFICIENCY. Identifiers: Orphanet 590, MedGen C3808739, MONDO:0014052, OMIM 615120.

Allele frequency attached by ClinVar (database versions not stated): gnomAD exomes 0.00054; ExAC 0.00059; ESP Exome Variant Server 0.00192; gnomAD 0.00196 and 0.00204; TOPMed 0.00216; 1000 Genomes Project 30x 0.00297; 1000 Genomes Project 0.00300.
gnomAD v4.1: 575 of 1,613,122 alleles (0.036%); highest among the groups gnomAD compares: African/African-American, 0.69%; 3 homozygotes.

Submissions (5):

Labcorp Genetics (formerly Invitae), Labcorp
Classification: Likely benign for Congenital myasthenic syndrome 8. Last evaluated: 2025-12-30. Review status: criteria provided, single submitter. Criteria: Invitae Variant Classification Sherloc (09022015). Collection method: clinical testing. Allele origin: germline.

Mayo Clinic Laboratories, Mayo Clinic
Classification: Likely benign. Last evaluated: 2025-11-27. Review status: criteria provided, single submitter. Criteria: ACMG Guidelines, 2015. Collection method: clinical testing. Allele origin: germline. Observed: 2 variant alleles.
Comment: BS1

Blueprint Genetics
Classification: Likely benign. Last evaluated: 2024-10-15. Review status: criteria provided, single submitter. Criteria: ACMG Guidelines, 2015. Collection method: clinical testing. Allele origin: germline.

GeneDx
Classification: Likely benign. Last evaluated: 2020-10-29. Review status: criteria provided, single submitter. Criteria: GeneDx Variant Classification Process June 2021. Collection method: clinical testing. Allele origin: germline. Affected: yes.
Comment: See Variant Classification Assertion Criteria.

Breakthrough Genomics
Classification: Likely benign. Review status: criteria provided, single submitter. Criteria: ACMG Guidelines, 2015. Collection method: not provided. Allele origin: germline. Inheritance: Autosomal recessive inheritance. Affected: yes.